The following is an entry in ClinVar:

ClinVar aggregate classification (germline): Uncertain significance (1 of 4 stars; one submission).

Allele frequency attached by ClinVar (database versions not stated): gnomAD exomes 0.00001 and below 0.00001; TOPMed below 0.00001.

Submission:

Labcorp Genetics (formerly Invitae), Labcorp
Classification: Uncertain significance. Last evaluated: 2025-11-30. Review status: criteria provided, single submitter. Criteria: Invitae Variant Classification Sherloc (09022015). Collection method: clinical testing. Allele origin: germline.
Comment: This sequence change replaces glutamine, which is neutral and polar, with arginine, which is basic and polar, at codon 780 of the TAOK2 protein (p.Gln780Arg). This variant is present in population databases (no rsID available, gnomAD 0.0009%). This variant has not been reported in the literature in individuals affected with TAOK2-related conditions. ClinVar contains an entry for this variant (Variation ID: 1495714). An algorithm developed to predict the effect of missense changes on protein structure and function (PolyPhen-2) suggests that this variant is likely to be tolerated. In summary, the available evidence is currently insufficient to determine the role of this variant in disease. Therefore, it has been classified as a Variant of Uncertain Significance.

NM_016151.4(TAOK2):c.2339A>G (p.Gln780Arg)

Gene: TAOK2 (TAO kinase 2; plus strand). Cytogenetic location: 16p11.2.
Variant type: single nucleotide variant.
Coding change: c.2339A>G on transcript NM_016151.4 (MANE Select); coding-DNA position 2339, A replaced by G.
Protein change: p.Gln780Arg; replaces glutamine 780 with arginine.
Molecular consequence: missense variant. On other transcripts: intron variant (2).
Genome position (GRCh38, 1-based): chr16:29,986,611, A>G. VCF-style: chr16-29986611-A-G. GRCh37 (hg19) VCF-style: chr16-29997932-A-G.
Other names: c.2232+107A>G (NM_004783.4, NM_001252043.2); short protein forms Q780R.
Identifiers: ClinVar variation 1495714 (VCV001495714.6), dbSNP rs1380101195, ClinGen allele CA395490884.